The following is an entry in ClinVar:

NM_002860.4(ALDH18A1):c.856A>G (p.Ile286Val)

Gene: ALDH18A1 (aldehyde dehydrogenase 18 family member A1; minus strand). Cytogenetic location: 10q24.1.
Variant type: single nucleotide variant.
Coding change: c.856A>G on transcript NM_002860.4 (MANE Select); coding-DNA position 856, A replaced by G.
Protein change: p.Ile286Val; replaces isoleucine 286 with valine.
Molecular consequence: missense variant.
Genome position (GRCh38, 1-based): chr10:95,628,445, T>C on the plus strand (A>G on the coding strand, the complement: ALDH18A1 is on the minus strand). VCF-style: chr10-95628445-T-C. GRCh37 (hg19) VCF-style: chr10-97388202-T-C.
Other names: c.856A>G (NM_002860.3); c.850A>G, p.Ile284Val (NM_001017423.2, NM_001323415.2); c.523A>G, p.Ile175Val (NM_001323412.2, NM_001323416.2); c.856A>G, p.Ile286Val (NM_001323413.2, NM_001323414.2); c.751A>G, p.Ile251Val (NM_001323417.2); c.517A>G, p.Ile173Val (NM_001323418.2); c.220A>G, p.Ile74Val (NM_001323419.2); short protein forms I173V, I251V, I74V, I175V, I286V, I284V.
Identifiers: ClinVar variation 2191288 (VCV002191288.6), dbSNP rs970950298, ClinGen allele CA211794869.

ClinVar aggregate classification (germline): Uncertain significance. Review status: criteria provided, multiple submitters, no conflicts (2 of 4 stars). 2 submissions from 2 submitters: Uncertain significance (2). Last evaluated 2026-09-28.

Conditions:
Cutis laxa, autosomal dominant 3 (ADCL3). Identifiers: Orphanet 90348, MedGen C4225268, MONDO:0014706, OMIM 616603.
Autosomal dominant spastic paraplegia type 9. Identifiers: MedGen C1832669, MONDO:0015091.
de Barsy syndrome. Also called: Cutis laxa-corneal clouding-oligophrenia syndrome. Identifiers: Orphanet 2962, MedGen C0268354, MONDO:0017569.

Allele frequency attached by ClinVar (database versions not stated): gnomAD exomes 0.00002; TOPMed 0.00002; gnomAD 0.00003.
gnomAD v4.1: 33 of 1,613,944 alleles (0.002%); highest among the groups gnomAD compares: Non-Finnish European, 0.0028%; no homozygotes.

Submissions (2):

GeneDx
Classification: Uncertain significance. Last evaluated: 2026-09-28. Review status: criteria provided, single submitter. Criteria: GeneDx Variant Classification Process June 2021. Collection method: clinical testing. Allele origin: germline.
Comment: Not observed at significant frequency in large population cohorts (gnomAD); In silico analysis supports that this missense variant does not alter protein structure/function; Has not been previously published as pathogenic or benign to our knowledge

Labcorp Genetics (formerly Invitae), Labcorp
Classification: Uncertain significance for Autosomal dominant spastic paraplegia type 9; de Barsy syndrome; Cutis laxa, autosomal dominant 3. Last evaluated: 2022-08-31. Review status: criteria provided, single submitter. Criteria: Invitae Variant Classification Sherloc (09022015). Collection method: clinical testing. Allele origin: germline.
Comment: This sequence change replaces isoleucine, which is neutral and non-polar, with valine, which is neutral and non-polar, at codon 286 of the ALDH18A1 protein (p.Ile286Val). This variant is present in population databases (no rsID available, gnomAD 0.002%). This variant has not been reported in the literature in individuals affected with ALDH18A1-related conditions. Algorithms developed to predict the effect of missense changes on protein structure and function (SIFT, PolyPhen-2, Align-GVGD) all suggest that this variant is likely to be tolerated. In summary, the available evidence is currently insufficient to determine the role of this variant in disease. Therefore, it has been classified as a Variant of Uncertain Significance.